The following is an entry in ClinVar:

ClinVar aggregate classification (germline): Uncertain significance. Review status: criteria provided, multiple submitters, no conflicts (2 of 4 stars). 2 submissions from 2 submitters: Uncertain significance (2). Last evaluated 2025-07-01.

Conditions:
Hereditary cancer-predisposing syndrome. Also called: Neoplastic Syndromes, Hereditary; Tumor predisposition; Hereditary neoplastic syndrome; Hereditary Cancer Syndrome. Identifiers: Orphanet 140162, MedGen C0027672, MeSH D009386, MONDO:0015356.
Hereditary cancer. Identifiers: MedGen C1333600.

Submissions (2):

Ambry Genetics
Classification: Uncertain significance for Hereditary cancer-predisposing syndrome. Last evaluated: 2025-07-01. Review status: criteria provided, single submitter. Criteria: Ambry Variant Classification Scheme 2023. Collection method: clinical testing. Allele origin: germline.
Comment: The p.K155T variant (also known as c.464A>C), located in coding exon 3 of the MSH6 gene, results from an A to C substitution at nucleotide position 464. The lysine at codon 155 is replaced by threonine, an amino acid with similar properties. This amino acid position is not well conserved in available vertebrate species. In addition, this alteration is predicted to be tolerated by in silico analysis. Based on the available evidence, the clinical significance of this variant remains unclear.

Mendelics
Classification: Uncertain significance for Hereditary cancer. Last evaluated: 2024-08-12. Review status: criteria provided, single submitter. Criteria: ACMG Guidelines, 2015. Collection method: clinical testing. Allele origin: unknown.

NM_000179.3(MSH6):c.464A>C (p.Lys155Thr)

Gene: MSH6 (mutS homolog 6; plus strand). Cytogenetic location: 2p16.3.
Variant type: single nucleotide variant.
Coding change: c.464A>C on transcript NM_000179.3 (MANE Select); coding-DNA position 464, A replaced by C.
Protein change: p.Lys155Thr; replaces lysine 155 with threonine.
Molecular consequence: missense variant. On other transcripts: 5 prime UTR variant (5), non-coding transcript variant (5), intron variant (8).
Genome position (GRCh38, 1-based): chr2:47,795,900, A>C. VCF-style: chr2-47795900-A-C. GRCh37 (hg19) VCF-style: chr2-48023039-A-C.
Other names: c.464A>C, p.Lys155Thr (NM_001406803.1, NM_001406808.1, NM_001406809.1 and 5 more transcripts); c.386A>C, p.Lys129Thr (NM_001406804.1); c.167A>C, p.Lys56Thr (NM_001406805.1, NM_001406830.1, NM_001406797.1 and 10 more transcripts); c.-62A>C (NM_001406806.1, NM_001406807.1, NM_001406799.1); c.470A>C, p.Lys157Thr (NM_001406813.1); c.-531A>C (NM_001406814.1); c.-279-2711A>C (NM_001406811.1, NM_001281493.2, NM_001406812.1 and 4 more transcripts); c.238-2711A>C (NM_001281492.2); and 3 more; short protein forms K129T, K155T, K157T, K187T, K56T, K99T.
Identifiers: ClinVar variation 3338488 (VCV003338488.2).